The following is an entry in ClinVar:

ClinVar aggregate classification (germline): Benign. Review status: criteria provided, multiple submitters, no conflicts (2 of 4 stars). 15 submissions from 13 submitters: Benign (12). 3 of the submissions do not count toward it. Last evaluated 2026-02-04.

Conditions:
Seckel syndrome 4 (SCKL4). Identifiers: Orphanet 808, MedGen C3888212, MONDO:0013358, OMIM 613676.
Microcephaly 6, primary, autosomal recessive. Identifiers: Orphanet 2512, MedGen C1842109, MONDO:0012029, OMIM 608393.

Allele frequency attached by ClinVar (database versions not stated): 1000 Genomes Project 30x 0.73360; 1000 Genomes Project 0.73722; ESP Exome Variant Server 0.76788; TOPMed 0.76958; ExAC 0.80358; gnomAD exomes 0.80822 and 0.82012.
gnomAD v4.1: 1,313,533 of 1,611,198 alleles (82%); highest among the groups gnomAD compares: East Asian, 86%; 538,374 homozygotes.

Submissions (15):

Labcorp Genetics (formerly Invitae), Labcorp
Classification: Benign. Last evaluated: 2026-02-04. Review status: criteria provided, single submitter. Criteria: Invitae Variant Classification Sherloc (09022015). Collection method: clinical testing. Allele origin: germline.

Blueprint Genetics
Classification: Benign. Last evaluated: 2024-11-27. Review status: criteria provided, single submitter. Criteria: ACMG Guidelines, 2015. Collection method: clinical testing. Allele origin: germline.

Genome-Nilou Lab
Classification: Benign for Seckel syndrome 4. Last evaluated: 2021-07-22. Review status: criteria provided, single submitter. Criteria: ACMG Guidelines, 2015. Collection method: clinical testing. Allele origin: germline. Affected: no.

Genome-Nilou Lab
Classification: Benign for Microcephaly 6, primary, autosomal recessive. Last evaluated: 2021-07-22. Review status: criteria provided, single submitter. Criteria: ACMG Guidelines, 2015. Collection method: clinical testing. Allele origin: germline. Affected: no.

Illumina Laboratory Services, Illumina
Classification: Benign for Seckel syndrome 4. Last evaluated: 2018-01-12. Review status: criteria provided, single submitter. Criteria: ICSL Variant Classification Criteria 13 December 2019. Collection method: clinical testing. Allele origin: germline.
Comment: This variant was observed in the ICSL laboratory as part of a predisposition screen in an ostensibly healthy population. It had not been previously curated by ICSL or reported in the Human Gene Mutation Database (HGMD: prior to June 1st, 2018), and was therefore a candidate for classification through an automated scoring system. Utilizing variant allele frequency, disease prevalence and penetrance estimates, and inheritance mode, an automated score was calculated to assess if this variant is too frequent to cause the disease. Based on the score and internal cut-off values, a variant classified as benign is not then subjected to further curation. The score for this variant resulted in a classification of benign for this disease.

Illumina Laboratory Services, Illumina
Classification: Benign for Microcephaly 6, primary, autosomal recessive. Last evaluated: 2018-01-12. Review status: criteria provided, single submitter. Criteria: ICSL Variant Classification Criteria 13 December 2019. Collection method: clinical testing. Allele origin: germline.
Comment: the same text as in the submission from Illumina Laboratory Services, Illumina above.

Athena Diagnostics
Classification: Benign. Last evaluated: 2017-04-20. Review status: criteria provided, single submitter. Criteria: Athena Diagnostics Criteria. Collection method: clinical testing. Allele origin: germline.

GeneDx
Classification: Benign. Last evaluated: 2015-03-03. Review status: criteria provided, single submitter. Criteria: GeneDx Variant Classification Process June 2021. Collection method: clinical testing. Allele origin: germline. Affected: yes.

Eurofins Ntd Llc (ga)
Classification: Benign. Last evaluated: 2014-04-09. Review status: criteria provided, single submitter. Criteria: EGL Classification Definitions 2015. Collection method: clinical testing. Allele origin: germline. Observed: 4 variant alleles, 3 heterozygotes, 1 homozygote.

Genetic Services Laboratory, University of Chicago
Classification: Benign. Last evaluated: 2013-02-08. Review status: criteria provided, single submitter. Criteria: ACMG Guidelines, 2007. Collection method: clinical testing. Allele origin: germline. Inheritance: Autosomal recessive inheritance.

Breakthrough Genomics
Classification: Benign. Review status: criteria provided, single submitter. Criteria: ACMG Guidelines, 2015. Collection method: not provided. Allele origin: germline. Inheritance: Autosomal recessive inheritance. Affected: yes.

PreventionGenetics, part of Exact Sciences
Classification: Benign. Review status: criteria provided, single submitter. Criteria: ACMG Guidelines, 2015. Collection method: clinical testing. Allele origin: germline.

Clinical Genetics DNA and cytogenetics Diagnostics Lab, Erasmus MC, Erasmus Medical Center
Classification: Benign. Review status: no assertion criteria provided. Collection method: clinical testing. Allele origin: germline. Affected: yes. Study: VKGL Data-share Consensus. Not counted in ClinVar's aggregate classification.

Diagnostic Laboratory, Department of Genetics, University Medical Center Groningen
Classification: Benign. Review status: no assertion criteria provided. Collection method: clinical testing. Allele origin: germline. Affected: yes. Study: VKGL Data-share Consensus. Not counted in ClinVar's aggregate classification.

Joint Genome Diagnostic Labs from Nijmegen and Maastricht, Radboudumc and MUMC+
Classification: Benign. Review status: no assertion criteria provided. Collection method: clinical testing. Allele origin: germline. Affected: yes. Study: VKGL Data-share Consensus. Not counted in ClinVar's aggregate classification.

NM_018451.5(CPAP):c.3216+7A>G

Gene: CPAP (centrosome assembly and centriole elongation protein; minus strand). Cytogenetic location: 13q12.12.
Variant type: single nucleotide variant.
Coding change: c.3216+7A>G on transcript NM_018451.5 (MANE Select); 7 bases into the intron after coding-DNA position 3216, A replaced by G.
Molecular consequence: intron variant.
Genome position (GRCh38, 1-based): chr13:24,892,636, T>C on the plus strand (A>G on the coding strand, the complement: CPAP is on the minus strand). VCF-style: chr13-24892636-T-C. GRCh37 (hg19) VCF-style: chr13-25466774-T-C.
Identifiers: ClinVar variation 158208 (VCV000158208.34), dbSNP rs9318917, ClinGen allele CA171694.